The following is an entry in ClinVar:

NM_006949.4(STXBP2):c.1541C>T (p.Ala514Val)

Gene: STXBP2 (syntaxin binding protein 2; plus strand). Cytogenetic location: 19p13.2.
Variant type: single nucleotide variant.
Coding change: c.1541C>T on transcript NM_006949.4 (MANE Select); coding-DNA position 1541, C replaced by T.
Protein change: p.Ala514Val; replaces alanine 514 with valine.
Molecular consequence: missense variant. On other transcripts: non-coding transcript variant (1).
Genome position (GRCh38, 1-based): chr19:7,647,356, C>T. VCF-style: chr19-7647356-C-T. GRCh37 (hg19) VCF-style: chr19-7712242-C-T.
Other names: c.1532C>T, p.Ala511Val (NM_001127396.3); c.1574C>T, p.Ala525Val (NM_001272034.2); c.1445C>T, p.Ala482Val (NM_001414484.1); short protein forms A482V, A525V, A511V, A514V.
Identifiers: ClinVar variation 1972802 (VCV001972802.2), dbSNP rs1395351218, ClinGen allele CA403161919.

ClinVar aggregate classification (germline): Uncertain significance (1 of 4 stars; one submission).

Conditions:
Familial hemophagocytic lymphohistiocytosis 5. Also called: STXBP2-Related Familial Hemophagocytic Lymphohistiocytosis (STXBP2-fHLH). Identifiers: Orphanet 540, MedGen C2751293, MONDO:0013135, OMIM 613101.

Allele frequency attached by ClinVar (database versions not stated): gnomAD exomes below 0.00001; TOPMed 0.00002.
gnomAD v4.1: 2 of 1,613,146 alleles (0.00012%); highest among the groups gnomAD compares: Admixed American, 0.0017%; no homozygotes.

Submission:

Labcorp Genetics (formerly Invitae), Labcorp
Classification: Uncertain significance for Familial hemophagocytic lymphohistiocytosis 5. Last evaluated: 2022-03-19. Review status: criteria provided, single submitter. Criteria: Invitae Variant Classification Sherloc (09022015). Collection method: clinical testing. Allele origin: germline.
Comment: This sequence change replaces alanine, which is neutral and non-polar, with valine, which is neutral and non-polar, at codon 514 of the STXBP2 protein (p.Ala514Val). This variant is present in population databases (no rsID available, gnomAD 0.006%). This variant has not been reported in the literature in individuals affected with STXBP2-related conditions. Algorithms developed to predict the effect of missense changes on protein structure and function are either unavailable or do not agree on the potential impact of this missense change (SIFT: "Tolerated"; PolyPhen-2: "Possibly Damaging"; Align-GVGD: "Class C0"). In summary, the available evidence is currently insufficient to determine the role of this variant in disease. Therefore, it has been classified as a Variant of Uncertain Significance.